The following is an entry in ClinVar:

ClinVar aggregate classification (germline): Uncertain significance (1 of 4 stars; one submission).

Conditions:
VPS13B-related disorder. Also called: VPS13B-related condition.

Submission:

PreventionGenetics, part of Exact Sciences
Classification: Uncertain significance for VPS13B-related condition. Last evaluated: 2026-01-14. Review status: criteria provided, single submitter. Criteria: ACMG Guidelines, 2015. Collection method: clinical testing. Allele origin: germline.
Comment: The VPS13B c.11612T>A variant is predicted to result in the amino acid substitution p.Phe3871Tyr. To our knowledge, this variant has not been reported in the literature or in a large population database (gnomAD), indicating this variant is rare. At this time, the clinical significance of this variant is uncertain due to the absence of conclusive functional and genetic evidence.

NM_152564.5(VPS13B):c.11612T>A (p.Phe3871Tyr)

Gene: VPS13B (vacuolar protein sorting 13 homolog B; plus strand). Cytogenetic location: 8q22.2.
Variant type: single nucleotide variant.
Coding change: c.11612T>A on transcript NM_152564.5 (MANE Select); coding-DNA position 11612, T replaced by A.
Protein change: p.Phe3871Tyr; replaces phenylalanine 3871 with tyrosine.
Molecular consequence: missense variant.
Genome position (GRCh38, 1-based): chr8:99,871,564, T>A. VCF-style: chr8-99871564-T-A. GRCh37 (hg19) VCF-style: chr8-100883792-T-A.
Other names: c.11687T>A, p.Phe3896Tyr (NM_017890.5); short protein forms F3871Y, F3896Y.
Identifiers: ClinVar variation 4995680 (VCV004995680.1).